The following is an entry in ClinVar:

ClinVar aggregate classification (germline): Pathogenic (1 of 4 stars; one submission).

Conditions:
Peutz-Jeghers syndrome (PJS). Also called: POLYPOSIS, HAMARTOMATOUS INTESTINAL; POLYPS-AND-SPOTS SYNDROME; Peutz-Jeghers polyposis; Periorificial lentiginosis syndrome. Identifiers: Orphanet 2869, MedGen C0031269, MeSH D010580, MONDO:0008280, OMIM 175200.

Submission:

Labcorp Genetics (formerly Invitae), Labcorp
Classification: Pathogenic for Peutz-Jeghers syndrome. Last evaluated: 2023-12-08. Review status: criteria provided, single submitter. Criteria: Invitae Variant Classification Sherloc (09022015). Collection method: clinical testing. Allele origin: germline.
Comment: This sequence change replaces leucine, which is neutral and non-polar, with proline, which is neutral and non-polar, at codon 140 of the STK11 protein (p.Leu140Pro). This variant is not present in population databases (gnomAD no frequency). This missense change has been observed in individual(s) with Peutz-Jeghers syndrome (PMID: 29419869, 30334930). In at least one individual the variant was observed to be de novo. ClinVar contains an entry for this variant (Variation ID: 527843). Advanced modeling of protein sequence and biophysical properties (such as structural, functional, and spatial information, amino acid conservation, physicochemical variation, residue mobility, and thermodynamic stability) performed at Invitae indicates that this missense variant is expected to disrupt STK11 protein function with a positive predictive value of 95%. For these reasons, this variant has been classified as Pathogenic.

Literature cited by the submitters: PubMed 29419869; PubMed 30334930.

NM_000455.5(STK11):c.419T>C (p.Leu140Pro)

Gene: STK11 (serine/threonine kinase 11; plus strand). Cytogenetic location: 19p13.3.
Variant type: single nucleotide variant.
Coding change: c.419T>C on transcript NM_000455.5 (MANE Select); coding-DNA position 419, T replaced by C.
Protein change: p.Leu140Pro; replaces leucine 140 with proline.
Molecular consequence: missense variant.
Genome position (GRCh38, 1-based): chr19:1,219,368, T>C. VCF-style: chr19-1219368-T-C. GRCh37 (hg19) VCF-style: chr19-1219367-T-C.
Other names: short protein forms L140P.
Identifiers: ClinVar variation 527843 (VCV000527843.8), dbSNP rs1555737790, ClinGen allele CA402948248.